The following is an entry in ClinVar:

ClinVar aggregate classification (germline): Conflicting classifications of pathogenicity. Review status: criteria provided, conflicting classifications (1 of 4 stars). 3 submissions from 3 submitters: Uncertain significance (2); Likely benign (1). Last evaluated 2024-08-15.

Conditions:
Hyperalphalipoproteinemia 1 (HALP1). Also called: CETP-Related Hyperalphalipoproteinemia; CETP DEFICIENCY. Identifiers: MedGen C3149462, OMIM 143470.

Allele frequency attached by ClinVar (database versions not stated): ExAC 0.00002; gnomAD 0.00002; gnomAD exomes 0.00003; TOPMed 0.00004; ESP Exome Variant Server 0.00015.
gnomAD v4.1: 26 of 1,614,022 alleles (0.0016%); highest among the groups gnomAD compares: Non-Finnish European, 0.002%; no homozygotes.

Submissions (3):

Labcorp Genetics (formerly Invitae), Labcorp
Classification: Uncertain significance. Last evaluated: 2024-08-15. Review status: criteria provided, single submitter. Criteria: Invitae Variant Classification Sherloc (09022015). Collection method: clinical testing. Allele origin: germline.
Comment: This sequence change replaces serine, which is neutral and polar, with threonine, which is neutral and polar, at codon 418 of the CETP protein (p.Ser418Thr). This variant is present in population databases (rs145141976, gnomAD 0.006%). This variant has not been reported in the literature in individuals affected with CETP-related conditions. ClinVar contains an entry for this variant (Variation ID: 884718). Invitae Evidence Modeling of protein sequence and biophysical properties (such as structural, functional, and spatial information, amino acid conservation, physicochemical variation, residue mobility, and thermodynamic stability) indicates that this missense variant is not expected to disrupt CETP protein function with a negative predictive value of 80%. In summary, the available evidence is currently insufficient to determine the role of this variant in disease. Therefore, it has been classified as a Variant of Uncertain Significance.

Ambry Genetics
Classification: Uncertain significance. Last evaluated: 2023-07-11. Review status: criteria provided, single submitter. Criteria: Ambry Variant Classification Scheme 2023. Collection method: clinical testing. Allele origin: germline.

Illumina Laboratory Services, Illumina
Classification: Likely benign for Hyperalphalipoproteinemia 1. Last evaluated: 2018-01-13. Review status: criteria provided, single submitter. Criteria: ICSL Variant Classification Criteria 13 December 2019. Collection method: clinical testing. Allele origin: germline.
Comment: This variant was observed in the ICSL laboratory as part of a predisposition screen in an ostensibly healthy population. It had not been previously curated by ICSL or reported in the Human Gene Mutation Database (HGMD: prior to June 1st, 2018), and was therefore a candidate for classification through an automated scoring system. Utilizing variant allele frequency, disease prevalence and penetrance estimates, and inheritance mode, an automated score was calculated to assess if this variant is too frequent to cause the disease. Based on the score and internal cut-off values, a variant classified as likely benign is not then subjected to further curation. The score for this variant resulted in a classification of likely benign for this disease.

NM_000078.3(CETP):c.1253G>C (p.Ser418Thr)

Gene: CETP (cholesteryl ester transfer protein; plus strand). Cytogenetic location: 16q13.
Variant type: single nucleotide variant.
Coding change: c.1253G>C on transcript NM_000078.3 (MANE Select); coding-DNA position 1253, G replaced by C.
Protein change: p.Ser418Thr; replaces serine 418 with threonine.
Molecular consequence: missense variant.
Genome position (GRCh38, 1-based): chr16:56,982,169, G>C. VCF-style: chr16-56982169-G-C. GRCh37 (hg19) VCF-style: chr16-57016081-G-C.
Other names: c.1073G>C, p.Ser358Thr (NM_001286085.2); short protein forms S358T, S418T.
Identifiers: ClinVar variation 884718 (VCV000884718.8), dbSNP rs145141976, ClinGen allele CA8071322.